The following is an entry in ClinVar:

ClinVar aggregate classification (germline): Likely benign (1 of 4 stars; one submission).

Conditions:
RPGRIP1L-related disorder. Also called: RPGRIP1L-related disorders; RPGRIP1L-related condition. Identifiers: MedGen CN239416.

gnomAD v4.1: 3 of 1,606,436 alleles (0.00019%); highest among the groups gnomAD compares: Non-Finnish European, 0.00026%; no homozygotes.

Submission:

PreventionGenetics, part of Exact Sciences
Classification: Likely benign for RPGRIP1L-related condition. Last evaluated: 2024-12-02. Review status: criteria provided, single submitter. Criteria: ACMG Guidelines, 2015. Collection method: clinical testing. Allele origin: germline.
Comment: This variant is classified as likely benign based on ACMG/AMP sequence variant interpretation guidelines (Richards et al. 2015 PMID: 25741868, with internal and published modifications).

NM_015272.5(RPGRIP1L):c.1278A>G (p.Glu426=)

Gene: RPGRIP1L (RPGRIP1 like; minus strand). Cytogenetic location: 16q12.2.
Variant type: single nucleotide variant.
Coding change: c.1278A>G on transcript NM_015272.5 (MANE Select); coding-DNA position 1278, A replaced by G.
Protein change: p.Glu426=; no amino-acid change (glutamic acid 426 retained).
Molecular consequence: synonymous variant.
Genome position (GRCh38, 1-based): chr16:53,658,844, T>C on the plus strand (A>G on the coding strand, the complement: RPGRIP1L is on the minus strand). VCF-style: chr16-53658844-T-C. GRCh37 (hg19) VCF-style: chr16-53692756-T-C.
Other names: c.1278A>G, p.Glu426= (NM_001127897.4, NM_001308334.3, NM_001330538.2).
Identifiers: ClinVar variation 4999913 (VCV004999913.1).